The following is an entry in ClinVar:

NM_000061.3(BTK):c.1751-1G>C

Gene: BTK (Bruton tyrosine kinase; minus strand). Cytogenetic location: Xq22.1.
Variant type: single nucleotide variant.
Coding change: c.1751-1G>C on transcript NM_000061.3 (MANE Select); the canonical splice acceptor site of the intron before coding-DNA position 1751, G replaced by C.
Molecular consequence: splice acceptor variant.
Genome position (GRCh38, 1-based): chrX:101,353,352, C>G on the plus strand (G>C on the coding strand, the complement: BTK is on the minus strand). VCF-style: chrX-101353352-C-G. GRCh37 (hg19) VCF-style: chrX-100608340-C-G.
Other names: c.1853-1G>C (NM_001287344.2); c.1223-1G>C (NM_001287345.2).
Identifiers: ClinVar variation 644461 (VCV000644461.9), dbSNP rs1603001846, ClinGen allele CA413919651.

ClinVar aggregate classification (germline): Pathogenic (1 of 4 stars; one submission).

Conditions:
X-linked agammaglobulinemia with growth hormone deficiency (IGHD3). Also called: AGAMMAGLOBULINEMIA AND ISOLATED GROWTH HORMONE DEFICIENCY, X-LINKED; FLEISHER SYNDROME; HYPOGAMMAGLOBULINEMIA AND ISOLATED GROWTH HORMONE DEFICIENCY, X-LINKED; IGHD III; Isolated growth hormone deficiency type 3; Growth hormone deficiency with hypogammaglobulinemia. Identifiers: Orphanet 231692, Orphanet 631, MedGen C0472813, MONDO:0010615, OMIM 307200.

Submission:

Labcorp Genetics (formerly Invitae), Labcorp
Classification: Pathogenic for X-linked agammaglobulinemia with growth hormone deficiency. Last evaluated: 2018-10-29. Review status: criteria provided, single submitter. Criteria: Invitae Variant Classification Sherloc (09022015). Collection method: clinical testing. Allele origin: germline.
Comment: For these reasons, this variant has been classified as Pathogenic. Donor and acceptor splice site variants typically lead to a loss of protein function (PMID: 16199547), and loss-of-function variants in BTK are known to be pathogenic (PMID: 15661032, 16862044, 19419768). Disruption of this splice site has been observed in several individuals affected with X-linked agammaglobulinemia (PMID: 16712653,9106525, 15661032). This variant is not present in population databases (ExAC no frequency). This sequence change affects an acceptor splice site in intron 17 of the BTK gene. It is expected to disrupt RNA splicing and likely results in an absent or disrupted protein product.

Literature cited by the submitters: PubMed 16199547; PubMed 15661032; PubMed 16862044; PubMed 19419768; PubMed 16712653; PubMed 9106525.